The following is an entry in ClinVar:

NM_172364.5(CACNA2D4):c.2389C>T (p.Arg797Cys)

Gene: CACNA2D4 (calcium voltage-gated channel auxiliary subunit alpha2delta 4; minus strand). Cytogenetic location: 12p13.33.
Variant type: single nucleotide variant.
Coding change: c.2389C>T on transcript NM_172364.5 (MANE Select); coding-DNA position 2389, C replaced by T.
Protein change: p.Arg797Cys; replaces arginine 797 with cysteine.
Molecular consequence: missense variant.
Genome position (GRCh38, 1-based): chr12:1,844,483, G>A on the plus strand (C>T on the coding strand, the complement: CACNA2D4 is on the minus strand). VCF-style: chr12-1844483-G-A. GRCh37 (hg19) VCF-style: chr12-1953649-G-A.
Other names: short protein forms R797C.
Identifiers: ClinVar variation 1063102 (VCV001063102.8), dbSNP rs777004690, ClinGen allele CA6386714.

ClinVar aggregate classification (germline): Uncertain significance. Review status: criteria provided, multiple submitters, no conflicts (2 of 4 stars). 2 submissions from 2 submitters: Uncertain significance (2). Last evaluated 2025-11-18.

gnomAD v4.1: 33 of 1,613,354 alleles (0.002%); highest among the groups gnomAD compares: Middle Eastern, 0.033%; 1 homozygote.

Submissions (2):

Labcorp Genetics (formerly Invitae), Labcorp
Classification: Uncertain significance. Last evaluated: 2025-11-18. Review status: criteria provided, single submitter. Criteria: Invitae Variant Classification Sherloc (09022015). Collection method: clinical testing. Allele origin: germline.
Comment: This sequence change replaces arginine, which is basic and polar, with cysteine, which is neutral and slightly polar, at codon 797 of the CACNA2D4 protein (p.Arg797Cys). This variant is present in population databases (rs777004690, gnomAD 0.02%). This variant has not been reported in the literature in individuals affected with CACNA2D4-related conditions. ClinVar contains an entry for this variant (Variation ID: 1063102). An algorithm developed to predict the effect of missense changes on protein structure and function (PolyPhen-2) suggests that this variant is likely to be tolerated. In summary, the available evidence is currently insufficient to determine the role of this variant in disease. Therefore, it has been classified as a Variant of Uncertain Significance.

Blueprint Genetics
Classification: Uncertain significance. Last evaluated: 2024-06-12. Review status: criteria provided, single submitter. Criteria: ACMG Guidelines, 2015. Collection method: clinical testing. Allele origin: germline.